The following is an entry in ClinVar:

NM_000064.4(C3):c.4388T>C (p.Val1463Ala)

Gene: C3 (complement C3; minus strand). Cytogenetic location: 19p13.3.
Variant type: single nucleotide variant.
Coding change: c.4388T>C on transcript NM_000064.4 (MANE Select); coding-DNA position 4388, T replaced by C.
Protein change: p.Val1463Ala; replaces valine 1463 with alanine.
Molecular consequence: missense variant.
Genome position (GRCh38, 1-based): chr19:6,680,226, A>G on the plus strand (T>C on the coding strand, the complement: C3 is on the minus strand). VCF-style: chr19-6680226-A-G. GRCh37 (hg19) VCF-style: chr19-6680237-A-G.
Other names: short protein forms V1463A.
Identifiers: ClinVar variation 3612528 (VCV003612528.2).

ClinVar aggregate classification (germline): Uncertain significance (1 of 4 stars; one submission).

gnomAD v4.1: 5 of 1,613,088 alleles (0.00031%); highest among the groups gnomAD compares: East Asian, 0.0067%; no homozygotes.

Submission:

Labcorp Genetics (formerly Invitae), Labcorp
Classification: Uncertain significance. Last evaluated: 2024-03-07. Review status: criteria provided, single submitter. Criteria: Invitae Variant Classification Sherloc (09022015). Collection method: clinical testing. Allele origin: germline.
Comment: This sequence change replaces valine, which is neutral and non-polar, with alanine, which is neutral and non-polar, at codon 1463 of the C3 protein (p.Val1463Ala). This variant is present in population databases (rs192424805, gnomAD 0.03%). This variant has not been reported in the literature in individuals affected with C3-related conditions. Advanced modeling of protein sequence and biophysical properties (such as structural, functional, and spatial information, amino acid conservation, physicochemical variation, residue mobility, and thermodynamic stability) performed at Invitae indicates that this missense variant is not expected to disrupt C3 protein function with a negative predictive value of 80%. In summary, the available evidence is currently insufficient to determine the role of this variant in disease. Therefore, it has been classified as a Variant of Uncertain Significance.